The following is an entry in ClinVar:

ClinVar aggregate classification (germline): Uncertain significance (0 of 4 stars; one submission).

Allele frequency attached by ClinVar (database versions not stated): gnomAD exomes 0.00001.

Submission:

Martin Pollak Laboratory,  Beth Israel Deaconess Medical Center
Classification: Uncertain significance. Review status: no assertion criteria provided. Collection method: not provided. Allele origin: unknown.
Comment: Lower UCa2+ group
ClinVar note: Converted during submission from unknown to Uncertain significance.

NM_005984.5(SLC25A1):c.138C>A (p.Thr46=)

Gene: SLC25A1 (solute carrier family 25 member 1; minus strand). Cytogenetic location: 22q11.21.
Variant type: single nucleotide variant.
Coding change: c.138C>A on transcript NM_005984.5 (MANE Select); coding-DNA position 138, C replaced by A.
Protein change: p.Thr46=; no amino-acid change (threonine 46 retained).
Molecular consequence: synonymous variant. On other transcripts: 5 prime UTR variant (1), non-coding transcript variant (1).
Genome position (GRCh38, 1-based): chr22:19,178,197, G>T on the plus strand (C>A on the coding strand, the complement: SLC25A1 is on the minus strand). VCF-style: chr22-19178197-G-T. GRCh37 (hg19) VCF-style: chr22-19165710-G-T.
Other names: c.159C>A, p.Thr53= (NM_001256534.2); c.-172C>A (NM_001287387.2).
Identifiers: ClinVar variation 64560 (VCV000064560.2), dbSNP rs387907477, ClinGen allele CA216405.